The following is an entry in ClinVar:

ClinVar aggregate classification (germline): Uncertain significance (1 of 4 stars; one submission).

Conditions:
Tuberous sclerosis 2 (TSC2). Identifiers: Orphanet 805, MedGen C1860707, MONDO:0013199, OMIM 613254.

Submission:

Labcorp Genetics (formerly Invitae), Labcorp
Classification: Uncertain significance for Tuberous sclerosis 2. Last evaluated: 2019-10-09. Review status: criteria provided, single submitter. Criteria: Invitae Variant Classification Sherloc (09022015). Collection method: clinical testing. Allele origin: germline.
Comment: This variant is not present in population databases (ExAC no frequency). This sequence change falls in intron 11 of the TSC2 gene. It does not directly change the encoded amino acid sequence of the TSC2 protein, but it affects a nucleotide within the consensus splice site of the intron. In summary, the available evidence is currently insufficient to determine the role of this variant in disease. Therefore, it has been classified as a Variant of Uncertain Significance. Nucleotide substitutions within the consensus splice site are a relatively common cause of aberrant splicing (PMID: 17576681, 9536098). Algorithms developed to predict the effect of sequence changes on RNA splicing suggest that this variant may disrupt the consensus splice site, but this prediction has not been confirmed by published transcriptional studies. This variant has not been reported in the literature in individuals with TSC2-related conditions.

Literature cited by the submitters: PubMed 17576681; PubMed 9536098.

NM_000548.5(TSC2):c.1119+5G>T

Gene: TSC2 (TSC complex subunit 2; plus strand). Cytogenetic location: 16p13.3.
Variant type: single nucleotide variant.
Coding change: c.1119+5G>T on transcript NM_000548.5 (MANE Select); 5 bases into the intron after coding-DNA position 1119, G replaced by T.
Molecular consequence: intron variant.
Genome position (GRCh38, 1-based): chr16:2,060,818, G>T. VCF-style: chr16-2060818-G-T. GRCh37 (hg19) VCF-style: chr16-2110819-G-T.
Other names: c.1119+5G>T (NM_001114382.3, NM_021055.3, NM_001370405.1 and 3 more transcripts); c.1008+5G>T (NM_001318827.2); c.519+5G>T (NM_001318831.2); c.972+5G>T (NM_001318829.2); c.1152+5G>T (NM_001318832.2).
Identifiers: ClinVar variation 960023 (VCV000960023.7), dbSNP rs2086542949, ClinGen allele CA1139664337.
Genomic context (GRCh38, chr16:2,060,818, plus strand): 5'-TGGTGGCGTGGGACATTCTGCTGAACATCATCGAACGGCTCCTTCAGCAGCTCCAGGTGG[G>T]GTGGGGGCAGGAGCTCCGGGGAGCACCGGGAACCCAGACAGGCAGGCTCGGCCCACTCAG-3'